The following is an entry in ClinVar:

NM_020686.6(ABAT):c.1498A>G (p.Lys500Glu)

Gene: ABAT (4-aminobutyrate aminotransferase; plus strand). Cytogenetic location: 16p13.2.
Variant type: single nucleotide variant.
Coding change: c.1498A>G on transcript NM_020686.6 (MANE Select); coding-DNA position 1498, A replaced by G.
Protein change: p.Lys500Glu; replaces lysine 500 with glutamic acid.
Molecular consequence: missense variant. On other transcripts: 3 prime UTR variant (2).
Genome position (GRCh38, 1-based): chr16:8,781,425, A>G. VCF-style: chr16-8781425-A-G. GRCh37 (hg19) VCF-style: chr16-8875282-A-G.
Other names: c.1498A>G, p.Lys500Glu (NM_000663.5, NM_001127448.2, NM_001386600.1 and 4 more transcripts); c.1459A>G, p.Lys487Glu (NM_001386605.1); c.1435A>G, p.Lys479Glu (NM_001386606.1, NM_001386607.1); c.1405A>G, p.Lys469Glu (NM_001386608.1); c.*9A>G (NM_001386609.1, NM_001386616.1); c.1363A>G, p.Lys455Glu (NM_001386610.1, NM_001386611.1); c.1300A>G, p.Lys434Glu (NM_001386612.1, NM_001386613.1); c.1252A>G, p.Lys418Glu (NM_001386614.1); and 2 more; short protein forms K418E, K479E, K487E, K434E, K500E, K532E, K455E, K469E.
Identifiers: ClinVar variation 2095070 (VCV002095070.2), dbSNP rs1209804449, ClinGen allele CA394691774.

ClinVar aggregate classification (germline): Uncertain significance (1 of 4 stars; one submission).

Conditions:
Gamma-aminobutyric acid transaminase deficiency (GABATD). Also called: GABA aminotransaminase deficiency; GABA transaminase deficiency; Gamma aminobutyrate transaminase deficiency; 4 alpha aminobutyrate transaminase deficiency. Identifiers: Orphanet 2066, MedGen C0342708, MONDO:0013166, OMIM 613163.

Allele frequency attached by ClinVar (database versions not stated): gnomAD exomes below 0.00001; TOPMed below 0.00001.
gnomAD v4.1: 5 of 1,614,176 alleles (0.00031%); highest among the groups gnomAD compares: Non-Finnish European, 0.00042%; no homozygotes.

Submission:

Labcorp Genetics (formerly Invitae), Labcorp
Classification: Uncertain significance for Gamma-aminobutyric acid transaminase deficiency. Last evaluated: 2022-08-09. Review status: criteria provided, single submitter. Criteria: Invitae Variant Classification Sherloc (09022015). Collection method: clinical testing. Allele origin: germline.
Comment: This sequence change replaces lysine, which is basic and polar, with glutamic acid, which is acidic and polar, at codon 500 of the ABAT protein (p.Lys500Glu). This variant is not present in population databases (gnomAD no frequency). This variant has not been reported in the literature in individuals affected with ABAT-related conditions. Algorithms developed to predict the effect of missense changes on protein structure and function are either unavailable or do not agree on the potential impact of this missense change (SIFT: "Deleterious"; PolyPhen-2: "Benign"; Align-GVGD: "Class C0"). In summary, the available evidence is currently insufficient to determine the role of this variant in disease. Therefore, it has been classified as a Variant of Uncertain Significance.